The following is an entry in ClinVar:

NM_000393.5(COL5A2):c.274T>A (p.Cys92Ser)

Gene: COL5A2 (collagen type V alpha 2 chain; minus strand). Cytogenetic location: 2q32.2.
Variant type: single nucleotide variant.
Coding change: c.274T>A on transcript NM_000393.5 (MANE Select); coding-DNA position 274, T replaced by A.
Protein change: p.Cys92Ser; replaces cysteine 92 with serine.
Molecular consequence: missense variant.
Genome position (GRCh38, 1-based): chr2:189,110,273, A>T on the plus strand (T>A on the coding strand, the complement: COL5A2 is on the minus strand). VCF-style: chr2-189110273-A-T. GRCh37 (hg19) VCF-style: chr2-189974999-A-T.
Other names: short protein forms C92S.
Identifiers: ClinVar variation 3902292 (VCV003902292.1).

ClinVar aggregate classification (germline): Uncertain significance (1 of 4 stars; one submission).

Submission:

Women's Health and Genetics/Laboratory Corporation of America, LabCorp
Classification: Uncertain significance. Last evaluated: 2025-05-12. Review status: criteria provided, single submitter. Criteria: LabCorp Variant Classification Summary - May 2015. Collection method: clinical testing. Allele origin: germline.
Comment: Variant summary: COL5A2 c.274T>A (p.Cys92Ser) results in a non-conservative amino acid change in the encoded protein sequence. Algorithms developed to predict the effect of missense changes on protein structure and function all suggest that this variant is likely to be disruptive. The variant was absent in 251314 control chromosomes. The available data on variant occurrences in the general population are insufficient to allow any conclusion about variant significance. To our knowledge, no occurrence of c.274T>A in individuals affected with Ehlers-Danlos syndrome, classic type, 2 and no experimental evidence demonstrating its impact on protein function have been reported. No submitters have cited clinical-significance assessments for this variant to ClinVar. Based on the evidence outlined above, the variant was classified as uncertain significance.